The following is an entry in ClinVar:

ClinVar aggregate classification (germline): Uncertain significance (1 of 4 stars; one submission).

Conditions:
Hereditary cancer-predisposing syndrome. Also called: Hereditary neoplastic syndrome; Neoplastic Syndromes, Hereditary; Tumor predisposition; Hereditary Cancer Syndrome. Identifiers: Orphanet 140162, MedGen C0027672, MeSH D009386, MONDO:0015356.

Submission:

Ambry Genetics
Classification: Uncertain significance for Hereditary cancer-predisposing syndrome. Last evaluated: 2025-03-08. Review status: criteria provided, single submitter. Criteria: Ambry Variant Classification Scheme 2023. Collection method: clinical testing. Allele origin: germline.
Comment: The p.C104R variant (also known as c.310T>C), located in coding exon 1 of the AXIN2 gene, results from a T to C substitution at nucleotide position 310. The cysteine at codon 104 is replaced by arginine, an amino acid with highly dissimilar properties. This amino acid position is conserved. In addition, the in silico prediction for this alteration is inconclusive. Based on the available evidence, the clinical significance of this variant remains unclear.

NM_004655.4(AXIN2):c.310T>C (p.Cys104Arg)

Gene: AXIN2 (axin 2; minus strand). Cytogenetic location: 17q24.1.
Variant type: single nucleotide variant.
Coding change: c.310T>C on transcript NM_004655.4 (MANE Select); coding-DNA position 310, T replaced by C.
Protein change: p.Cys104Arg; replaces cysteine 104 with arginine.
Molecular consequence: missense variant.
Genome position (GRCh38, 1-based): chr17:65,558,311, A>G on the plus strand (T>C on the coding strand, the complement: AXIN2 is on the minus strand). VCF-style: chr17-65558311-A-G. GRCh37 (hg19) VCF-style: chr17-63554429-A-G.
Other names: c.310T>C, p.Cys104Arg (NM_001363813.1); short protein forms C104R.
Identifiers: ClinVar variation 3814802 (VCV003814802.1).